The following is an entry in ClinVar:

ClinVar aggregate classification (germline): Uncertain significance (1 of 4 stars; one submission).

Conditions:
Developmental and epileptic encephalopathy, 37 (DEE37). Also called: Epileptic encephalopathy, early infantile, 37. Identifiers: MedGen C4310770, MONDO:0014859, OMIM 616981.

Allele frequency attached by ClinVar (database versions not stated): TOPMed below 0.00001.

Submission:

Labcorp Genetics (formerly Invitae), Labcorp
Classification: Uncertain significance for Developmental and epileptic encephalopathy, 37. Last evaluated: 2022-03-18. Review status: criteria provided, single submitter. Criteria: Invitae Variant Classification Sherloc (09022015). Collection method: clinical testing. Allele origin: germline.
Comment: In summary, the available evidence is currently insufficient to determine the role of this variant in disease. Therefore, it has been classified as a Variant of Uncertain Significance. Experimental studies and prediction algorithms are not available or were not evaluated, and the functional significance of this variant is currently unknown. This sequence change creates a premature translational stop signal (p.Tyr338*) in the FRRS1L gene. While this is not anticipated to result in nonsense mediated decay, it is expected to disrupt the last 7 amino acid(s) of the FRRS1L protein. This variant is not present in population databases (gnomAD no frequency). This variant has not been reported in the literature in individuals affected with FRRS1L-related conditions.

NM_014334.4(FRRS1L):c.861C>G (p.Tyr287Ter)

Gene: FRRS1L (ferric chelate reductase 1 like; minus strand). Cytogenetic location: 9q31.3.
Variant type: single nucleotide variant.
Coding change: c.861C>G on transcript NM_014334.4 (MANE Select); coding-DNA position 861, C replaced by G.
Protein change: p.Tyr287Ter; replaces tyrosine 287 with a stop codon.
Molecular consequence: nonsense.
Genome position (GRCh38, 1-based): chr9:109,137,476, G>C on the plus strand (C>G on the coding strand, the complement: FRRS1L is on the minus strand). VCF-style: chr9-109137476-G-C. GRCh37 (hg19) VCF-style: chr9-111899756-G-C.
Other names: short protein forms Y287*.
Identifiers: ClinVar variation 2113471 (VCV002113471.4), dbSNP rs570300260, ClinGen allele CA374422703.